The following is an entry in ClinVar:

ClinVar aggregate classification (germline): Uncertain significance (1 of 4 stars; one submission).

Submission:

Labcorp Genetics (formerly Invitae), Labcorp
Classification: Uncertain significance. Last evaluated: 2021-08-27. Review status: criteria provided, single submitter. Criteria: Invitae Variant Classification Sherloc (09022015). Collection method: clinical testing. Allele origin: germline.
Comment: This sequence change replaces alanine with threonine at codon 581 of the OCA2 protein (p.Ala581Thr). The alanine residue is weakly conserved and there is a small physicochemical difference between alanine and threonine. This variant is not present in population databases (ExAC no frequency). This variant has not been reported in the literature in individuals affected with OCA2-related conditions. Advanced modeling of protein sequence and biophysical properties (such as structural, functional, and spatial information, amino acid conservation, physicochemical variation, residue mobility, and thermodynamic stability) performed at Invitae indicates that this missense variant is not expected to disrupt OCA2 protein function. In summary, the available evidence is currently insufficient to determine the role of this variant in disease. Therefore, it has been classified as a Variant of Uncertain Significance.

NM_000275.3(OCA2):c.1741G>A (p.Ala581Thr)

Gene: OCA2 (OCA2 melanosomal transmembrane protein; minus strand). Cytogenetic location: 15q13.1.
Variant type: single nucleotide variant.
Coding change: c.1741G>A on transcript NM_000275.3 (MANE Select); coding-DNA position 1741, G replaced by A.
Protein change: p.Ala581Thr; replaces alanine 581 with threonine.
Molecular consequence: missense variant.
Genome position (GRCh38, 1-based): chr15:27,957,631, C>T on the plus strand (G>A on the coding strand, the complement: OCA2 is on the minus strand). VCF-style: chr15-27957631-C-T. GRCh37 (hg19) VCF-style: chr15-28202777-C-T.
Other names: c.1669G>A, p.Ala557Thr (NM_001300984.2); short protein forms A557T, A581T.
Identifiers: ClinVar variation 1509629 (VCV001509629.5), dbSNP rs2140704302, ClinGen allele CA391365687.
Genomic context (GRCh38, chr15:27,957,631, plus strand): 5'-AGGACCCCGCCCGGTACCTGTGGAAGGTGTGCAGCCTCCGGGCGAGCAGGTGCTCCAGTG[C>T]CAGCACCTTCCCCAGCAGCAGGCGGCGCACAGCTGTCTCCTCGCGGCTGGCCGGGCTGAT-3'
Protein context (NP_000266.2, residues 571-591): VRRLLLGKVL[Ala581Thr]LEHLLARRLH